The following is an entry in ClinVar:

ClinVar aggregate classification (germline): Benign/Likely benign. Review status: criteria provided, multiple submitters, no conflicts (2 of 4 stars). 5 submissions from 5 submitters: Benign (1); Likely benign (4). Last evaluated 2025-10-26.

Conditions:
Lynch syndrome. Identifiers: Orphanet 144, MedGen C4552100, MONDO:0005835. Disease mechanism: loss of function.
Lynch syndrome 5 (LYNCH5). Also called: Hereditary non-polyposis colorectal cancer, type 5; Colorectal cancer, hereditary nonpolyposis, type 5. Identifiers: Orphanet 144, MedGen C1833477, MONDO:0013710, OMIM 614350. Disease mechanism: loss of function.
Hereditary nonpolyposis colorectal neoplasms. Identifiers: MedGen C0009405, MeSH D003123.
Hereditary cancer-predisposing syndrome. Also called: Hereditary Cancer Syndrome; Neoplastic Syndromes, Hereditary; Hereditary neoplastic syndrome; Tumor predisposition. Identifiers: Orphanet 140162, MedGen C0027672, MeSH D009386, MONDO:0015356.

Submissions (5):

Labcorp Genetics (formerly Invitae), Labcorp
Classification: Likely benign for Hereditary nonpolyposis colorectal neoplasms. Last evaluated: 2025-10-26. Review status: criteria provided, single submitter. Criteria: Invitae Variant Classification Sherloc (09022015). Collection method: clinical testing. Allele origin: germline.

Myriad Genetics, Inc.
Classification: Benign for Lynch syndrome 5. Last evaluated: 2024-12-27. Review status: criteria provided, single submitter. Criteria: Myriad Autosomal Dominant, Autosomal Recessive and X-Linked Classification Criteria (2023). Collection method: clinical testing. Allele origin: unknown.
Comment: This variant is considered benign. This variant is a silent/synonymous amino acid change and it is not expected to impact splicing.

All of Us Research Program, National Institutes of Health
Classification: Likely benign for Lynch syndrome. Last evaluated: 2023-11-07. Review status: criteria provided, single submitter. Criteria: ACMG Guidelines, 2015. Collection method: clinical testing. Allele origin: germline. Inheritance: Autosomal dominant inheritance. Observed: 3 variant alleles, 3 heterozygotes.
Comment: This study involves interpretation of variants in research participants for the purpose of population health screening. Participant phenotype was not available at the time of variant classification. Additional details can be found in publication PMID: 35346344, PMCID: PMC8962531

Color Diagnostics, LLC DBA Color Health
Classification: Likely benign for Hereditary cancer-predisposing syndrome. Last evaluated: 2020-01-13. Review status: criteria provided, single submitter. Criteria: ACMG Guidelines, 2015. Collection method: clinical testing. Allele origin: germline.

Ambry Genetics
Classification: Likely benign for Hereditary cancer-predisposing syndrome. Last evaluated: 2016-05-13. Review status: criteria provided, single submitter. Criteria: Ambry Variant Classification Scheme 2023. Collection method: clinical testing. Allele origin: germline.

NM_000179.3(MSH6):c.1752T>G (p.Thr584=)

Gene: MSH6 (mutS homolog 6; plus strand). Cytogenetic location: 2p16.3.
Variant type: single nucleotide variant.
Coding change: c.1752T>G on transcript NM_000179.3 (MANE Select); coding-DNA position 1752, T replaced by G.
Protein change: p.Thr584=; no amino-acid change (threonine 584 retained).
Molecular consequence: synonymous variant.
Genome position (GRCh38, 1-based): chr2:47,799,735, T>G. VCF-style: chr2-47799735-T-G. GRCh37 (hg19) VCF-style: chr2-48026874-T-G.
Other names: c.1362T>G, p.Thr454= (NM_001281492.2); c.846T>G, p.Thr282= (NM_001281493.2, NM_001281494.2).
Identifiers: ClinVar variation 428413 (VCV000428413.18), dbSNP rs1114167777, ClinGen allele CA426121064.
Genomic context (GRCh38, chr2:47,799,735, plus strand): 5'-ACTGGGAAAGTTTTTCATAGGTCAGTTTTCAGATGATCGCCATTGTTCGAGATTTAGGAC[T>G]CTAGTGGCACACTATCCCCCAGTACAAGTTTTATTTGAAAAAGGAAATCTCTCAAAGGAA-3'
Protein context (NP_000170.1, residues 574-594): SDDRHCSRFR[Thr584=]LVAHYPPVQV